The following is an entry in ClinVar:

ClinVar aggregate classification (germline): Pathogenic. Review status: criteria provided, multiple submitters, no conflicts (2 of 4 stars). 7 submissions from 7 submitters: Pathogenic (6). 1 of the submissions does not count toward it. Last evaluated 2024-03-17.

Conditions:
Muscular dystrophy, limb-girdle, autosomal dominant 4. Also called: Calpain-3-related limb-girdle muscular dystrophy D4; MUSCULAR DYSTROPHY, LIMB-GIRDLE, TYPE 1I. Identifiers: Orphanet 565909, MedGen C4748295, MONDO:0029133, OMIM 618129.
Autosomal recessive limb-girdle muscular dystrophy type 2A (LGMDR1). Also called: LEYDEN-MOEBIUS MUSCULAR DYSTROPHY; MUSCULAR DYSTROPHY, PELVOFEMORAL; Limb-girdle muscular dystrophy, type 2A; Calpainopathy; Muscular dystrophy, limb-girdle, type 2A, Amish. Identifiers: Orphanet 267, MedGen C1869123, MONDO:0009675, OMIM 253600. Disease mechanism: loss of function.

Allele frequency attached by ClinVar (database versions not stated): gnomAD exomes below 0.00001; TOPMed below 0.00001.
gnomAD v4.1: 8 of 1,613,990 alleles (0.0005%); highest among the groups gnomAD compares: East Asian, 0.0067%; no homozygotes.

Submissions (7):

Genomic Medicine Center of Excellence, King Faisal Specialist Hospital and Research Centre
Classification: Pathogenic for Autosomal recessive limb-girdle muscular dystrophy type 2A. Last evaluated: 2024-03-17. Review status: criteria provided, single submitter. Criteria: ACMG Guidelines, 2015. Collection method: research. Allele origin: germline.

Revvity Omics, Revvity
Classification: Pathogenic. Last evaluated: 2023-10-12. Review status: criteria provided, single submitter. Criteria: ACMG Guidelines, 2015. Collection method: clinical testing. Allele origin: germline.

Labcorp Genetics (formerly Invitae), Labcorp
Classification: Pathogenic for Autosomal recessive limb-girdle muscular dystrophy type 2A. Last evaluated: 2023-08-16. Review status: criteria provided, single submitter. Criteria: Invitae Variant Classification Sherloc (09022015). Collection method: clinical testing. Allele origin: germline.
Comment: For these reasons, this variant has been classified as Pathogenic. This sequence change affects a donor splice site in intron 5 of the CAPN3 gene. RNA analysis indicates that disruption of this splice site induces altered splicing and may result in an absent or disrupted protein product. This variant is present in population databases (no rsID available, gnomAD 0.003%). Disruption of this splice site has been observed in individual(s) with autosomal recessive limb-girdle muscular dystrophy (PMID: 9452114). In at least one individual the data is consistent with being in trans (on the opposite chromosome) from a pathogenic variant. It has also been observed to segregate with disease in related individuals. This variant is also known as G>A at position 801 + 1 in the 5’-splice site of intron 5 in P94. ClinVar contains an entry for this variant (Variation ID: 552843). Studies have shown that disruption of this splice site results in skipping of exon 5 and introduces a premature termination codon (PMID: 9452114). The resulting mRNA is expected to undergo nonsense-mediated decay.

Baylor Genetics
Classification: Pathogenic for Muscular dystrophy, limb-girdle, autosomal dominant 4. Last evaluated: 2023-04-13. Review status: criteria provided, single submitter. Criteria: ACMG Guidelines, 2015. Collection method: clinical testing. Allele origin: unknown.

Genome-Nilou Lab
Classification: Pathogenic for Autosomal recessive limb-girdle muscular dystrophy type 2A. Last evaluated: 2021-07-22. Review status: criteria provided, single submitter. Criteria: ACMG Guidelines, 2015. Collection method: clinical testing. Allele origin: germline. Affected: no.

Mayo Clinic Laboratories, Mayo Clinic
Classification: Pathogenic. Last evaluated: 2019-04-01. Review status: criteria provided, single submitter. Criteria: ACMG Guidelines, 2015. Collection method: clinical testing. Allele origin: germline. Observed: 1 variant allele.
Comment: PVS1, PS4_moderate, PM2, PM3, PP1

Counsyl
Classification: Pathogenic for Autosomal recessive limb-girdle muscular dystrophy type 2A. Last evaluated: 2017-07-11. Review status: no assertion criteria provided. Collection method: clinical testing. Allele origin: unknown. Not counted in ClinVar's aggregate classification.

Literature cited by the submitters: PubMed 9452114 (cited by Labcorp Genetics (formerly Invitae), Labcorp and Mayo Clinic Laboratories, Mayo Clinic); PubMed 11525884 (cited by Mayo Clinic Laboratories, Mayo Clinic); PubMed 16141003 (cited by Mayo Clinic Laboratories, Mayo Clinic); PubMed 25525159 (cited by Mayo Clinic Laboratories, Mayo Clinic); PubMed 30028523 (cited by Mayo Clinic Laboratories, Mayo Clinic); PubMed 26886200 (cited by Mayo Clinic Laboratories, Mayo Clinic); PubMed 27671536 (cited by Mayo Clinic Laboratories, Mayo Clinic); PubMed 18854869 (cited by Counsyl).

NM_000070.3(CAPN3):c.801+1G>A

Gene: CAPN3 (calpain 3; plus strand). Cytogenetic location: 15q15.1.
Variant type: single nucleotide variant.
Coding change: c.801+1G>A on transcript NM_000070.3 (MANE Select); the canonical splice donor site of the intron after coding-DNA position 801, G replaced by A.
Molecular consequence: splice donor variant.
Genome position (GRCh38, 1-based): chr15:42,389,097, G>A. VCF-style: chr15-42389097-G-A. GRCh37 (hg19) VCF-style: chr15-42681295-G-A.
Other names: c.801+1G>A (NM_024344.2, NM_173087.2).
Identifiers: ClinVar variation 552843 (VCV000552843.19), dbSNP rs1459288402, ClinGen allele CA391998414.